The following is an entry in ClinVar:

NM_001330691.3(CEP78):c.128T>C (p.Leu43Pro)

Gene: CEP78 (centrosomal protein 78; plus strand). Cytogenetic location: 9q21.2.
Variant type: single nucleotide variant.
Coding change: c.128T>C on transcript NM_001330691.3 (MANE Select); coding-DNA position 128, T replaced by C.
Protein change: p.Leu43Pro; replaces leucine 43 with proline.
Molecular consequence: missense variant.
Genome position (GRCh38, 1-based): chr9:78,236,478, T>C. VCF-style: chr9-78236478-T-C. GRCh37 (hg19) VCF-style: chr9-80851394-T-C.
Other names: c.128T>C, p.Leu43Pro (NM_001098802.3, NM_001330693.3, NM_001330694.2 and 4 more transcripts); short protein forms L43P.
Identifiers: ClinVar variation 1715410 (VCV001715410.3), dbSNP rs1587542147, ClinGen allele CA373999314.

ClinVar aggregate classification (germline): Uncertain significance (1 of 4 stars; one submission).

Allele frequency attached by ClinVar (database versions not stated): TOPMed 0.00001.
gnomAD v4.1: 1 of 1,607,508 alleles (0.000062%); no homozygotes.

Submission:

Labcorp Genetics (formerly Invitae), Labcorp
Classification: Uncertain significance. Last evaluated: 2022-08-06. Review status: criteria provided, single submitter. Criteria: Invitae Variant Classification Sherloc (09022015). Collection method: clinical testing. Allele origin: germline.
Comment: This sequence change replaces leucine, which is neutral and non-polar, with proline, which is neutral and non-polar, at codon 43 of the CEP78 protein (p.Leu43Pro). This variant is not present in population databases (gnomAD no frequency). This variant has not been reported in the literature in individuals affected with CEP78-related conditions. Algorithms developed to predict the effect of missense changes on protein structure and function are either unavailable or do not agree on the potential impact of this missense change (SIFT: "Deleterious"; PolyPhen-2: "Probably Damaging"; Align-GVGD: "Class C0"). In summary, the available evidence is currently insufficient to determine the role of this variant in disease. Therefore, it has been classified as a Variant of Uncertain Significance.